The following is an entry in ClinVar:

NM_017636.4(TRPM4):c.2618C>T (p.Thr873Ile)

Gene: TRPM4 (transient receptor potential cation channel subfamily M member 4; plus strand). Cytogenetic location: 19q13.33.
Variant type: single nucleotide variant.
Coding change: c.2618C>T on transcript NM_017636.4 (MANE Select); coding-DNA position 2618, C replaced by T.
Protein change: p.Thr873Ile; replaces threonine 873 with isoleucine.
Molecular consequence: missense variant. On other transcripts: intron variant (1).
Genome position (GRCh38, 1-based): chr19:49,196,847, C>T. VCF-style: chr19-49196847-C-T. GRCh37 (hg19) VCF-style: chr19-49700104-C-T.
Other names: c.2273C>T, p.Thr758Ile (NM_001321281.2); c.1010C>T, p.Thr337Ile (NM_001321282.2); c.2096C>T, p.Thr699Ile (NM_001321283.2); c.1556C>T, p.Thr519Ile (NM_001321285.2); c.2211-3453C>T (NM_001195227.2); c.2618C>T (NM_017636.3); short protein forms T337I, T519I, T699I, T758I, T873I.
Identifiers: ClinVar variation 1375882 (VCV001375882.7), dbSNP rs780581421, ClinGen allele CA9569590.

ClinVar aggregate classification (germline): Uncertain significance. Review status: criteria provided, multiple submitters, no conflicts (2 of 4 stars). 2 submissions from 2 submitters: Uncertain significance (2). Last evaluated 2025-07-09.

Conditions:
Cardiovascular phenotype. Identifiers: MedGen CN230736.
Progressive familial heart block type IB (PFHB1B). Identifiers: Orphanet 871, MedGen C1970298, MONDO:0011474, OMIM 604559.

Allele frequency attached by ClinVar (database versions not stated): TOPMed below 0.00001; gnomAD 0.00001; ExAC 0.00002; gnomAD exomes 0.00002.
gnomAD v4.1: 31 of 1,587,444 alleles (0.002%); highest among the groups gnomAD compares: Non-Finnish European, 0.0026%; no homozygotes.

Submissions (2):

Ambry Genetics
Classification: Uncertain significance for Cardiovascular phenotype. Last evaluated: 2025-07-09. Review status: criteria provided, single submitter. Criteria: Ambry Variant Classification Scheme 2023. Collection method: clinical testing. Allele origin: germline.
Comment: The p.T873I variant (also known as c.2618C>T), located in coding exon 17 of the TRPM4 gene, results from a C to T substitution at nucleotide position 2618. The threonine at codon 873 is replaced by isoleucine, an amino acid with similar properties. This variant was reported in a Brugada syndrome cohort (Liu H et al. PLoS One, 2013 Jan;8:e54131). This amino acid position is not well conserved in available vertebrate species. In addition, the in silico prediction for this alteration is inconclusive. Based on the available evidence, the clinical significance of this variant remains unclear.

Labcorp Genetics (formerly Invitae), Labcorp
Classification: Uncertain significance for Progressive familial heart block type IB. Last evaluated: 2023-12-05. Review status: criteria provided, single submitter. Criteria: Invitae Variant Classification Sherloc (09022015). Collection method: clinical testing. Allele origin: germline.
Comment: This sequence change replaces threonine, which is neutral and polar, with isoleucine, which is neutral and non-polar, at codon 873 of the TRPM4 protein (p.Thr873Ile). The frequency data for this variant in the population databases is considered unreliable, as metrics indicate poor data quality at this position in the gnomAD database. This missense change has been observed in individual(s) with Brugada syndrome (PMID: 23382873). ClinVar contains an entry for this variant (Variation ID: 1375882). An algorithm developed to predict the effect of missense changes on protein structure and function (PolyPhen-2) suggests that this variant is likely to be tolerated. Experimental studies are conflicting or provide insufficient evidence to determine the effect of this variant on TRPM4 function (PMID: 23382873). In summary, the available evidence is currently insufficient to determine the role of this variant in disease. Therefore, it has been classified as a Variant of Uncertain Significance.

Literature cited by the submitters: PubMed 23382873 (cited by Ambry Genetics and Labcorp Genetics (formerly Invitae), Labcorp).